The following is an entry in ClinVar:

ClinVar aggregate classification (germline): Benign (0 of 4 stars; one submission).

Conditions:
NPC1L1-related disorder. Also called: NPC1L1-related condition.

Allele frequency attached by ClinVar (database versions not stated): 1000 Genomes Project 0.00220; 1000 Genomes Project 30x 0.00234; gnomAD 0.00238; TOPMed 0.00265; ESP Exome Variant Server 0.00323.

Submission:

PreventionGenetics, part of Exact Sciences
Classification: Benign for NPC1L1-related condition. Last evaluated: 2019-06-26. Review status: no assertion criteria provided. Collection method: clinical testing. Allele origin: germline.
Comment: This variant is classified as benign based on ACMG/AMP sequence variant interpretation guidelines (Richards et al. 2015 PMID: 25741868, with internal and published modifications).

NM_001101648.2(NPC1L1):c.1078G>A (p.Val360Ile)

Gene: NPC1L1 (NPC1 like intracellular cholesterol transporter 1; minus strand). Cytogenetic location: 7p13.
Variant type: single nucleotide variant.
Coding change: c.1078G>A on transcript NM_001101648.2 (MANE Select); coding-DNA position 1078, G replaced by A.
Protein change: p.Val360Ile; replaces valine 360 with isoleucine.
Molecular consequence: missense variant.
Genome position (GRCh38, 1-based): chr7:44,539,319, C>T on the plus strand (G>A on the coding strand, the complement: NPC1L1 is on the minus strand). VCF-style: chr7-44539319-C-T. GRCh37 (hg19) VCF-style: chr7-44578918-C-T.
Other names: c.1078G>A, p.Val360Ile (NM_001300967.2, NM_013389.3); short protein forms V360I.
Identifiers: ClinVar variation 3042730 (VCV003042730.2), dbSNP rs143494404, ClinGen allele CA4242288.
Genomic context (GRCh38, chr7:44,539,319, plus strand): 5'-CGGGGTCCGTAGTGAGTTCTGTAAAGACCAGGCCCGCTGCCAAGGCCACCACCGGGATGA[C>T]AGATAGCACCAAGATGGTCAGAGGCCACGAAGCCACCCACGTGCCCCAGCCCTGGAAGAA-3'
Protein context (NP_001095118.1, residues 350-370): SWPLTILVLS[Val360Ile]IPVVALAAGL